The following is an entry in ClinVar:

NM_206933.4(USH2A):c.400A>G (p.Ser134Gly)

Gene: USH2A (usherin; minus strand). Cytogenetic location: 1q41.
Variant type: single nucleotide variant.
Coding change: c.400A>G on transcript NM_206933.4 (MANE Select); coding-DNA position 400, A replaced by G.
Protein change: p.Ser134Gly; replaces serine 134 with glycine.
Molecular consequence: missense variant.
Genome position (GRCh38, 1-based): chr1:216,421,937, T>C on the plus strand (A>G on the coding strand, the complement: USH2A is on the minus strand). VCF-style: chr1-216421937-T-C. GRCh37 (hg19) VCF-style: chr1-216595279-T-C.
Other names: c.400A>G, p.Ser134Gly (NM_007123.6); short protein forms S134G.
Identifiers: ClinVar variation 1351448 (VCV001351448.6), dbSNP rs2102788382, ClinGen allele CA344903968.

ClinVar aggregate classification (germline): Uncertain significance (1 of 4 stars; one submission).

Allele frequency attached by ClinVar (database versions not stated): gnomAD exomes below 0.00001.
gnomAD v4.1: 3 of 1,613,914 alleles (0.00019%); highest among the groups gnomAD compares: Non-Finnish European, 0.00025%; no homozygotes.

Submission:

Labcorp Genetics (formerly Invitae), Labcorp
Classification: Uncertain significance. Last evaluated: 2022-11-15. Review status: criteria provided, single submitter. Criteria: Invitae Variant Classification Sherloc (09022015). Collection method: clinical testing. Allele origin: germline.
Comment: ClinVar contains an entry for this variant (Variation ID: 1351448). Advanced modeling of protein sequence and biophysical properties (such as structural, functional, and spatial information, amino acid conservation, physicochemical variation, residue mobility, and thermodynamic stability) performed at Invitae indicates that this missense variant is not expected to disrupt USH2A protein function. In summary, the available evidence is currently insufficient to determine the role of this variant in disease. Therefore, it has been classified as a Variant of Uncertain Significance. This sequence change replaces serine, which is neutral and polar, with glycine, which is neutral and non-polar, at codon 134 of the USH2A protein (p.Ser134Gly). This variant is not present in population databases (gnomAD no frequency). This variant has not been reported in the literature in individuals affected with USH2A-related conditions.